The following is an entry in ClinVar:

ClinVar aggregate classification (germline): Uncertain significance (1 of 4 stars; one submission).

Conditions:
Inborn genetic diseases. Identifiers: MedGen C0950123, MeSH D030342.

gnomAD v4.1: 1 of 1,611,650 alleles (0.000062%); highest among the groups gnomAD compares: South Asian, 0.0011%; no homozygotes.

Submission:

Ambry Genetics
Classification: Uncertain significance for Inborn genetic diseases. Last evaluated: 2025-03-20. Review status: criteria provided, single submitter. Criteria: Ambry Variant Classification Scheme 2023. Collection method: clinical testing. Allele origin: germline.
Comment: The p.A1267G variant (also known as c.3800C>G), located in coding exon 33 of the RTEL1 gene, results from a C to G substitution at nucleotide position 3800. The alanine at codon 1267 is replaced by glycine, an amino acid with similar properties. This amino acid position is conserved. In addition, this alteration is predicted to be tolerated by in silico analysis. Based on the available evidence, the clinical significance of this variant remains unclear.

NM_001283009.2(RTEL1):c.3800C>G (p.Ala1267Gly)

Genes: RTEL1 (regulator of telomere elongation helicase 1; plus strand), RTEL1-TNFRSF6B (RTEL1-TNFRSF6B readthrough (NMD candidate); plus strand). Cytogenetic location: 20q13.33.
Variant type: single nucleotide variant.
Coding change: c.3800C>G on transcript NM_001283009.2 (MANE Select); coding-DNA position 3800, C replaced by G.
Protein change: p.Ala1267Gly; replaces alanine 1267 with glycine.
Molecular consequence: missense variant. On other transcripts: non-coding transcript variant (1), intron variant (3).
Genome position (GRCh38, 1-based): chr20:63,695,628, C>G. VCF-style: chr20-63695628-C-G. GRCh37 (hg19) VCF-style: chr20-62326981-C-G.
Other names: c.2983+148C>G (NM_001283010.1); c.3724+148C>G (NM_032957.5); c.3652+148C>G (NM_016434.4); short protein forms A1267G.
Identifiers: ClinVar variation 3948237 (VCV003948237.1).